The following is an entry in ClinVar:

ClinVar aggregate classification (germline): Uncertain significance (1 of 4 stars; one submission).

Allele frequency attached by ClinVar (database versions not stated): gnomAD 0.00001; gnomAD exomes 0.00001; TOPMed 0.00003.
gnomAD v4.1: 11 of 1,551,554 alleles (0.00071%); highest among the groups gnomAD compares: Admixed American, 0.002%; no homozygotes.

Submission:

Labcorp Genetics (formerly Invitae), Labcorp
Classification: Uncertain significance. Last evaluated: 2021-05-05. Review status: criteria provided, single submitter. Criteria: Invitae Variant Classification Sherloc (09022015). Collection method: clinical testing. Allele origin: germline.
Comment: This variant is not present in population databases (ExAC no frequency). In summary, the available evidence is currently insufficient to determine the role of this variant in disease. Therefore, it has been classified as a Variant of Uncertain Significance. Algorithms developed to predict the effect of missense changes on protein structure and function output the following: SIFT: "Tolerated"; PolyPhen-2: "Benign"; Align-GVGD: "Class C0". The methionine amino acid residue is found in multiple mammalian species, suggesting that this missense change does not adversely affect protein function. These predictions have not been confirmed by published functional studies and their clinical significance is uncertain. This variant has not been reported in the literature in individuals with KPNA7-related conditions. This sequence change replaces isoleucine with methionine at codon 242 of the KPNA7 protein (p.Ile242Met). The isoleucine residue is weakly conserved and there is a small physicochemical difference between isoleucine and methionine.

NM_001145715.3(KPNA7):c.726A>G (p.Ile242Met)

Gene: KPNA7 (karyopherin subunit alpha 7; minus strand). Cytogenetic location: 7q22.1.
Variant type: single nucleotide variant.
Coding change: c.726A>G on transcript NM_001145715.3 (MANE Select); coding-DNA position 726, A replaced by G.
Protein change: p.Ile242Met; replaces isoleucine 242 with methionine.
Molecular consequence: missense variant.
Genome position (GRCh38, 1-based): chr7:99,188,474, T>C on the plus strand (A>G on the coding strand, the complement: KPNA7 is on the minus strand). VCF-style: chr7-99188474-T-C. GRCh37 (hg19) VCF-style: chr7-98786097-T-C.
Other names: short protein forms I242M.
Identifiers: ClinVar variation 958199 (VCV000958199.8), dbSNP rs1228748937, ClinGen allele CA368419922.